The following is an entry in ClinVar:

ClinVar aggregate classification (germline): Uncertain significance (1 of 4 stars; one submission).

Conditions:
Gorlin syndrome. Also called: Basal cell nevus syndrome; Nevoid Basal Cell Carcinoma Syndrome. Identifiers: Orphanet 377, MedGen C0004779, MONDO:0007187.

Submission:

Labcorp Genetics (formerly Invitae), Labcorp
Classification: Uncertain significance for Gorlin syndrome. Last evaluated: 2024-01-25. Review status: criteria provided, single submitter. Criteria: Invitae Variant Classification Sherloc (09022015). Collection method: clinical testing. Allele origin: germline.
Comment: This sequence change replaces histidine, which is basic and polar, with glutamine, which is neutral and polar, at codon 1413 of the PTCH1 protein (p.His1413Gln). This variant is not present in population databases (gnomAD no frequency). This variant has not been reported in the literature in individuals affected with PTCH1-related conditions. Advanced modeling of protein sequence and biophysical properties (such as structural, functional, and spatial information, amino acid conservation, physicochemical variation, residue mobility, and thermodynamic stability) performed at Invitae indicates that this missense variant is not expected to disrupt PTCH1 protein function with a negative predictive value of 95%. In summary, the available evidence is currently insufficient to determine the role of this variant in disease. Therefore, it has been classified as a Variant of Uncertain Significance.

NM_000264.5(PTCH1):c.4239C>A (p.His1413Gln)

Gene: PTCH1 (patched 1; minus strand). Cytogenetic location: 9q22.32.
Variant type: single nucleotide variant.
Coding change: c.4239C>A on transcript NM_000264.5 (MANE Select); coding-DNA position 4239, C replaced by A.
Protein change: p.His1413Gln; replaces histidine 1413 with glutamine.
Molecular consequence: missense variant. On other transcripts: non-coding transcript variant (1).
Genome position (GRCh38, 1-based): chr9:95,447,017, G>T on the plus strand (C>A on the coding strand, the complement: PTCH1 is on the minus strand). VCF-style: chr9-95447017-G-T. GRCh37 (hg19) VCF-style: chr9-98209299-G-T.
Other names: c.4041C>A, p.His1347Gln (NM_001083602.3); c.4236C>A, p.His1412Gln (NM_001083603.3); c.3786C>A, p.His1262Gln (NM_001083604.3, NM_001083605.3, NM_001083606.3 and 1 more transcripts); c.4083C>A, p.His1361Gln (NM_001354918.2); short protein forms H1412Q, H1413Q, H1262Q, H1347Q, H1361Q.
Identifiers: ClinVar variation 2790066 (VCV002790066.3), dbSNP rs375040845, ClinGen allele CA374110051.